The following is an entry in ClinVar:

NM_052874.5(STX1B):c.205+5G>A

Gene: STX1B (syntaxin 1B; minus strand). Cytogenetic location: 16p11.2.
Variant type: single nucleotide variant.
Coding change: c.205+5G>A on transcript NM_052874.5 (MANE Select); 5 bases into the intron after coding-DNA position 205, G replaced by A.
Molecular consequence: intron variant.
Genome position (GRCh38, 1-based): chr16:31,001,089, C>T on the plus strand (G>A on the coding strand, the complement: STX1B is on the minus strand). VCF-style: chr16-31001089-C-T. GRCh37 (hg19) VCF-style: chr16-31012410-C-T.
Identifiers: ClinVar variation 1044810 (VCV001044810.8), dbSNP rs2056625628, ClinGen allele CA2216844761.

ClinVar aggregate classification (germline): Uncertain significance. Review status: criteria provided, multiple submitters, no conflicts (2 of 4 stars). 2 submissions from 2 submitters: Uncertain significance (2). Last evaluated 2023-09-18.

Conditions:
Generalized epilepsy with febrile seizures plus, type 9 (GEFSP9). Also called: GEFS+, TYPE 9. Identifiers: Orphanet 36387, MedGen C4015395, MONDO:0014517, OMIM 616172.

Submissions (2):

Institute of Human Genetics, University of Leipzig Medical Center
Classification: Uncertain significance for Generalized epilepsy with febrile seizures plus, type 9. Last evaluated: 2023-09-18. Review status: criteria provided, single submitter. Criteria: ACMG Guidelines, 2015. Collection method: clinical testing. Allele origin: de novo. Inheritance: Autosomal dominant inheritance. Affected: yes.
Comment: Criteria applied: PS2_MOD,PM2_SUP,PP3

Labcorp Genetics (formerly Invitae), Labcorp
Classification: Uncertain significance for Generalized epilepsy with febrile seizures plus, type 9. Last evaluated: 2021-03-09. Review status: criteria provided, single submitter. Criteria: Invitae Variant Classification Sherloc (09022015). Collection method: clinical testing. Allele origin: germline.
Comment: This sequence change falls in intron 3 of the STX1B gene. It does not directly change the encoded amino acid sequence of the STX1B protein, but it affects a nucleotide within the consensus splice site of the intron. This variant is not present in population databases (ExAC no frequency). This variant has not been reported in the literature in individuals with STX1B-related conditions. Nucleotide substitutions within the consensus splice site are a relatively common cause of aberrant splicing (PMID: 17576681, 9536098). Algorithms developed to predict the effect of sequence changes on RNA splicing suggest that this variant may disrupt the consensus splice site, but this prediction has not been confirmed by published transcriptional studies. In summary, the available evidence is currently insufficient to determine the role of this variant in disease. Therefore, it has been classified as a Variant of Uncertain Significance.

Literature cited by the submitters: PubMed 17576681 (cited by Labcorp Genetics (formerly Invitae), Labcorp); PubMed 9536098 (cited by Labcorp Genetics (formerly Invitae), Labcorp).